The following is an entry in ClinVar:

ClinVar aggregate classification (germline): Pathogenic. Review status: reviewed by expert panel (3 of 4 stars). 4 submissions from 4 submitters: Pathogenic (1). 3 of the submissions do not count toward it. Last evaluated 2023-09-01.

Conditions:
Maturity-onset diabetes of the young (MODY). Also called: Maturity onset diabetes mellitus in young. Identifiers: Orphanet 552, MedGen C0342276, MONDO:0018911, HP:0004904.
HNF4A-related disorder. Also called: HNF4A-related condition.
Monogenic diabetes. Identifiers: Orphanet 183625, MedGen C3888631, MONDO:0015967.

Submissions (4):

ClinGen Monogenic Diabetes Variant Curation Expert Panel
Classification: Pathogenic for Monogenic diabetes. Last evaluated: 2023-09-01. Review status: reviewed by expert panel. Criteria: ClinGen Monogenic Diabetes ACMG Specifications HNF4A V1.1.0. Collection method: curation. Allele origin: germline. Inheritance: Autosomal dominant inheritance.
Comment: The c.225-21A>G variant in the hepatocyte nuclear factor-4-alpha gene, HNF4A, is predicted to disrupt splicing in intron 2 of NM_175914.4. This variant was identified as a de novo occurrence with confirmed parental relationships in one individual with a clinical picture highly specific for HNF4A-MODY (diazoxide-responsive neonatal hypoglycemia and negative testing for KCNJ11 and ABCC8) (PS2; internal lab contributors). This variant is absent from gnomAD v2.1.1 (PM2_Supporting). This variant segregated with diabetes, with at least 4 informative meioses in 2 families with MODY (PP1_Strong; internal lab contributors, PMID 18268044). The computational splicing predictor SpliceAI gives a score of 0.74 for acceptor loss, predicting that the variant disrupts the acceptor site of intron 2 of HNF4A (PP3). This variant was identified in at least 2 individuals with a clinical history highly specific for HNF4A-MODY (MODY probability calculator result >50%, negative genetic testing for HNF1A, and neonatal hypoglycemia responsive to diazoxide) (PP4_Moderate; internal lab contributors). In summary, c.225-21A>G meets the criteria to be classified as pathogenic for monogenic diabetes. ACMG/AMP criteria applied, as specified by the ClinGen MDEP (specification version 1.1.0, approved 8/11/2023): PS2, PM2_Supporting, PP3, PP4_Moderate, PP1_Strong.

Labcorp Genetics (formerly Invitae), Labcorp
Classification: Uncertain significance. Last evaluated: 2025-12-23. Review status: criteria provided, single submitter. Criteria: Invitae Variant Classification Sherloc (09022015). Collection method: clinical testing. Allele origin: germline. Not counted in ClinVar's aggregate classification.
Comment: This sequence change falls in intron 2 of the HNF4A gene. It does not directly change the encoded amino acid sequence of the HNF4A protein. This variant is not present in population databases (gnomAD no frequency). This variant has been observed in individual(s) with hyperinsulinemic hypoglycemia (PMID: 18268044). This variant is also known as c.264 –21AG. ClinVar contains an entry for this variant (Variation ID: 2578346). Algorithms developed to predict the effect of sequence changes on RNA splicing suggest that this variant may disrupt the consensus splice site. In summary, the available evidence is currently insufficient to determine the role of this variant in disease. Therefore, it has been classified as a Variant of Uncertain Significance.

PreventionGenetics, part of Exact Sciences
Classification: Likely pathogenic for HNF4A-related condition. Last evaluated: 2023-10-03. Review status: criteria provided, single submitter. Criteria: ACMG Guidelines, 2015. Collection method: clinical testing. Allele origin: germline. Not counted in ClinVar's aggregate classification.
Comment: The HNF4A c.225-21A>G variant is predicted to interfere with splicing. This variant has been reported in three individuals from one family with maturity-onset diabetes of the young (Figure 2, Kapoor et al 2008. PubMed ID: 18268044). An RT-PCR study suggests this variant impacts mRNA splicing leading to a premature termination codon in exon 3 (Kapoor et al 2008. PubMed ID: 18268044). This variant has not been reported in a large population database, indicating this variant is rare. This variant is interpreted as likely pathogenic.

Ambry Genetics
Classification: Uncertain significance for Maturity-onset diabetes of the young. Last evaluated: 2018-09-24. Review status: criteria provided, single submitter. Criteria: Ambry Variant Classification Scheme 2023. Collection method: clinical testing. Allele origin: germline. Not counted in ClinVar's aggregate classification.
Comment: The c.225-21A>G intronic alteration consists of a A to G substitution 21 nucleotides before coding exon 3 in the HNF4A gene. Based on insufficient or conflicting evidence, the clinical significance of this alteration remains unclear.

Literature cited by the submitters: PubMed 18268044 (cited by Labcorp Genetics (formerly Invitae), Labcorp).

NM_175914.5(HNF4A):c.225-21A>G

Gene: HNF4A (hepatocyte nuclear factor 4 alpha; plus strand). Cytogenetic location: 20q13.12.
Variant type: single nucleotide variant.
Coding change: c.225-21A>G on transcript NM_175914.5 (MANE Select); 21 bases into the intron before coding-DNA position 225, A replaced by G.
Molecular consequence: intron variant.
Genome position (GRCh38, 1-based): chr20:44,407,360, A>G. VCF-style: chr20-44407360-A-G. GRCh37 (hg19) VCF-style: chr20-43036000-A-G.
Other names: NM_175914.5:c.225-21A>G; c.225-21A>G (NM_175914.4, NM_001030003.3, NM_001030004.3 and 1 more transcripts); c.216-21A>G (NM_001287182.2, NM_001287183.2, NM_001287184.2); c.270-21A>G (NM_001258355.2); c.291-21A>G (NM_178849.3, NM_000457.6, NM_178850.3).
Identifiers: ClinVar variation 2578346 (VCV002578346.4), dbSNP rs2515650510, ClinGen allele CA2573051052.
Genomic context (GRCh38, chr20:44,407,360, plus strand): 5'-ACTGGATAGCCAGGGCCCTAGTTCTGTCCTAAGAGGAGGAAGTTGTGTCTTCTCCATCCA[A>G]CCATCCAAAGCCCTCCCCAGATTTAGCCGGCAGTGCGTGGTGGACAAAGACAAGAGGAAC-3'